The following is an entry in ClinVar:

ClinVar aggregate classification (germline): Uncertain significance (1 of 4 stars; one submission).

Conditions:
Schneckenbecken dysplasia. Identifiers: Orphanet 3144, MedGen C0432194, MONDO:0010013, OMIM 269250.

Allele frequency attached by ClinVar (database versions not stated): gnomAD exomes 0.00003 and 0.00015; gnomAD 0.00057 and 0.00059; TOPMed 0.00071.
gnomAD v4.1: 130 of 1,613,744 alleles (0.0081%); highest among the groups gnomAD compares: Admixed American, 0.22%; no homozygotes.

Submission:

Labcorp Genetics (formerly Invitae), Labcorp
Classification: Uncertain significance for Schneckenbecken dysplasia. Last evaluated: 2022-08-15. Review status: criteria provided, single submitter. Criteria: Invitae Variant Classification Sherloc (09022015). Collection method: clinical testing. Allele origin: germline.
Comment: This sequence change replaces isoleucine, which is neutral and non-polar, with valine, which is neutral and non-polar, at codon 170 of the SLC35D1 protein (p.Ile170Val). This variant is present in population databases (no rsID available, gnomAD 0.1%). This variant has not been reported in the literature in individuals affected with SLC35D1-related conditions. ClinVar contains an entry for this variant (Variation ID: 661129). Algorithms developed to predict the effect of missense changes on protein structure and function (SIFT, PolyPhen-2, Align-GVGD) all suggest that this variant is likely to be tolerated. Algorithms developed to predict the effect of sequence changes on RNA splicing suggest that this variant may create or strengthen a splice site. In summary, the available evidence is currently insufficient to determine the role of this variant in disease. Therefore, it has been classified as a Variant of Uncertain Significance.

NM_015139.3(SLC35D1):c.508A>G (p.Ile170Val)

Gene: SLC35D1 (solute carrier family 35 member D1; minus strand). Cytogenetic location: 1p31.3.
Variant type: single nucleotide variant.
Coding change: c.508A>G on transcript NM_015139.3 (MANE Select); coding-DNA position 508, A replaced by G.
Protein change: p.Ile170Val; replaces isoleucine 170 with valine.
Molecular consequence: missense variant.
Genome position (GRCh38, 1-based): chr1:67,049,807, T>C on the plus strand (A>G on the coding strand, the complement: SLC35D1 is on the minus strand). VCF-style: chr1-67049807-T-C. GRCh37 (hg19) VCF-style: chr1-67515490-T-C.
Other names: short protein forms I170V.
Identifiers: ClinVar variation 661129 (VCV000661129.7), dbSNP rs1407589659, ClinGen allele CA340706265.